The following is an entry in ClinVar:

ClinVar aggregate classification (germline): Uncertain significance (1 of 4 stars; one submission).

Submission:

Labcorp Genetics (formerly Invitae), Labcorp
Classification: Uncertain significance. Last evaluated: 2023-06-23. Review status: criteria provided, single submitter. Criteria: Invitae Variant Classification Sherloc (09022015). Collection method: clinical testing. Allele origin: germline.
Comment: ClinVar contains an entry for this variant (Variation ID: 1464342). In summary, the available evidence is currently insufficient to determine the role of this variant in disease. Therefore, it has been classified as a Variant of Uncertain Significance. Algorithms developed to predict the effect of missense changes on protein structure and function output the following: SIFT: "Not Available"; PolyPhen-2: "Benign"; Align-GVGD: "Not Available". The valine amino acid residue is found in multiple mammalian species, which suggests that this missense change does not adversely affect protein function. This variant has not been reported in the literature in individuals affected with REST-related conditions. This variant is not present in population databases (gnomAD no frequency). This sequence change replaces methionine, which is neutral and non-polar, with valine, which is neutral and non-polar, at codon 575 of the REST protein (p.Met575Val).

NM_005612.5(REST):c.1723A>G (p.Met575Val)

Gene: REST (RE1 silencing transcription factor; plus strand). Cytogenetic location: 4q12.
Variant type: single nucleotide variant.
Coding change: c.1723A>G on transcript NM_005612.5 (MANE Select); coding-DNA position 1723, A replaced by G.
Protein change: p.Met575Val; replaces methionine 575 with valine.
Molecular consequence: missense variant.
Genome position (GRCh38, 1-based): chr4:56,930,581, A>G. VCF-style: chr4-56930581-A-G. GRCh37 (hg19) VCF-style: chr4-57796747-A-G.
Other names: c.1723A>G, p.Met575Val (NM_001193508.2, NM_001363453.3); short protein forms M575V.
Identifiers: ClinVar variation 1464342 (VCV001464342.6), dbSNP rs1206406732, ClinGen allele CA357007272.